The following is an entry in ClinVar:

ClinVar aggregate classification (germline): Uncertain significance (1 of 4 stars; one submission).

Allele frequency attached by ClinVar (database versions not stated): ExAC 0.00002; gnomAD exomes 0.00005 and 0.00006; gnomAD 0.00011; TOPMed 0.00022.
gnomAD v4.1: 106 of 1,613,974 alleles (0.0066%); highest among the groups gnomAD compares: Admixed American, 0.023%; no homozygotes.

Submission:

Labcorp Genetics (formerly Invitae), Labcorp
Classification: Uncertain significance. Last evaluated: 2025-09-23. Review status: criteria provided, single submitter. Criteria: Invitae Variant Classification Sherloc (09022015). Collection method: clinical testing. Allele origin: germline.
Comment: This sequence change replaces asparagine, which is neutral and polar, with aspartic acid, which is acidic and polar, at codon 384 of the DDX58 protein (p.Asn384Asp). This variant is present in population databases (rs61756273, gnomAD 0.01%). This variant has not been reported in the literature in individuals affected with DDX58-related conditions. ClinVar contains an entry for this variant (Variation ID: 1429759). Invitae Evidence Modeling of protein sequence and biophysical properties (such as structural, functional, and spatial information, amino acid conservation, physicochemical variation, residue mobility, and thermodynamic stability) indicates that this missense variant is expected to disrupt DDX58 protein function with a positive predictive value of 80%. In summary, the available evidence is currently insufficient to determine the role of this variant in disease. Therefore, it has been classified as a Variant of Uncertain Significance.

NM_014314.4(RIGI):c.1150A>G (p.Asn384Asp)

Gene: RIGI (RNA sensor RIG-I; minus strand). Cytogenetic location: 9p21.1.
Variant type: single nucleotide variant.
Coding change: c.1150A>G on transcript NM_014314.4 (MANE Select); coding-DNA position 1150, A replaced by G.
Protein change: p.Asn384Asp; replaces asparagine 384 with aspartic acid.
Molecular consequence: missense variant.
Genome position (GRCh38, 1-based): chr9:32,488,007, T>C on the plus strand (A>G on the coding strand, the complement: RIGI is on the minus strand). VCF-style: chr9-32488007-T-C. GRCh37 (hg19) VCF-style: chr9-32488005-T-C.
Other names: c.1144A>G, p.Asn382Asp (NM_001385907.1); c.1150A>G, p.Asn384Asp (NM_001385909.1); c.709A>G, p.Asn237Asp (NM_001385910.1); c.541A>G, p.Asn181Asp (NM_001385912.1); c.1135A>G, p.Asn379Asp (NM_001385913.1); c.706A>G, p.Asn236Asp (NM_001385914.1); short protein forms N237D, N382D, N384D, N236D, N181D, N379D.
Identifiers: ClinVar variation 1429759 (VCV001429759.6), dbSNP rs61756273, ClinGen allele CA5019905.